The following is an entry in ClinVar:

ClinVar aggregate classification (germline): Benign. Review status: criteria provided, multiple submitters, no conflicts (2 of 4 stars). 20 submissions from 19 submitters: Benign (17). 3 of the submissions do not count toward it. Last evaluated 2026-02-04.

Conditions:
Hyperparathyroidism. Identifiers: MedGen C0020502, MONDO:0001741, HP:0000843.
Hereditary cancer-predisposing syndrome. Also called: Hereditary Cancer Syndrome; Hereditary neoplastic syndrome; Neoplastic Syndromes, Hereditary; Tumor predisposition. Identifiers: Orphanet 140162, MedGen C0027672, MeSH D009386, MONDO:0015356.
Multiple endocrine neoplasia, type 1 (MEN1). Also called: Endocrine adenomatosis multiple; MEN 1; MEN I; WERMER SYNDROME; MEA I. Identifiers: Orphanet 652, MedGen C0025267, MeSH D018761, MONDO:0007540, OMIM 131100.

Allele frequency attached by ClinVar (database versions not stated): TOPMed 0.29384; 1000 Genomes Project 30x 0.30340; ESP Exome Variant Server 0.30402; 1000 Genomes Project 0.30791; gnomAD 0.30843 and 0.31807; gnomAD exomes 0.39160 and 0.40540; ExAC 0.39335.
gnomAD v4.1: 640,045 of 1,613,902 alleles (40%); highest among the groups gnomAD compares: South Asian, 48%; 132,028 homozygotes.

Submissions (20):

Labcorp Genetics (formerly Invitae), Labcorp
Classification: Benign for Multiple endocrine neoplasia, type 1. Last evaluated: 2026-02-04. Review status: criteria provided, single submitter. Criteria: Invitae Variant Classification Sherloc (09022015). Collection method: clinical testing. Allele origin: germline.

ARUP Laboratories, Molecular Genetics and Genomics, ARUP Laboratories
Classification: Benign. Last evaluated: 2025-07-30. Review status: criteria provided, single submitter. Criteria: ARUP Molecular Germline Variant Investigation Process 2024. Collection method: clinical testing. Allele origin: germline.

GeneKor MSA
Classification: Benign for Hereditary cancer-predisposing syndrome. Last evaluated: 2025-07-10. Review status: criteria provided, single submitter. Criteria: ACMG Guidelines, 2015. Collection method: clinical testing. Allele origin: germline.

Blueprint Genetics
Classification: Benign. Last evaluated: 2024-11-27. Review status: criteria provided, single submitter. Criteria: ACMG Guidelines, 2015. Collection method: clinical testing. Allele origin: germline.

Myriad Genetics, Inc.
Classification: Benign for Multiple endocrine neoplasia, type 1. Last evaluated: 2024-11-05. Review status: criteria provided, single submitter. Criteria: Myriad Autosomal Dominant, Autosomal Recessive and X-Linked Classification Criteria (2023). Collection method: clinical testing. Allele origin: unknown.
Comment: This variant is considered benign. This variant is a silent/synonymous amino acid change and it is not expected to impact splicing.

KCCC/NGS Laboratory, Kuwait Cancer Control Center
Classification: Benign for Multiple endocrine neoplasia, type 1. Last evaluated: 2023-07-07. Review status: criteria provided, single submitter. Criteria: ACMG Guidelines, 2015. Collection method: clinical testing. Allele origin: germline. Affected: yes.

Mayo Clinic Laboratories, Mayo Clinic
Classification: Benign. Last evaluated: 2022-05-01. Review status: criteria provided, single submitter. Criteria: ACMG Guidelines, 2015. Collection method: clinical testing. Allele origin: germline. Observed: 352 variant alleles.

Athena Diagnostics
Classification: Benign. Last evaluated: 2020-06-25. Review status: criteria provided, single submitter. Criteria: Athena Diagnostics Criteria. Collection method: clinical testing. Allele origin: unknown.

Color Diagnostics, LLC DBA Color Health
Classification: Benign for Multiple endocrine neoplasia, type 1. Last evaluated: 2019-03-29. Review status: criteria provided, single submitter. Criteria: ACMG Guidelines, 2015. Collection method: clinical testing. Allele origin: germline.

Eurofins Ntd Llc (ga)
Classification: Benign. Last evaluated: 2018-06-22. Review status: criteria provided, single submitter. Criteria: EGL ClinVar v180209 classification definitions. Collection method: clinical testing. Allele origin: germline. Observed: 54 variant alleles, 31 heterozygotes, 23 homozygotes.

Illumina Laboratory Services, Illumina
Classification: Benign for Multiple endocrine neoplasia, type 1. Last evaluated: 2018-01-12. Review status: criteria provided, single submitter. Criteria: ICSL Variant Classification Criteria 13 December 2019. Collection method: clinical testing. Allele origin: germline.
Comment: This variant was observed in the ICSL laboratory as part of a predisposition screen in an ostensibly healthy population. It had not been previously curated by ICSL or reported in the Human Gene Mutation Database (HGMD: prior to June 1st, 2018), and was therefore a candidate for classification through an automated scoring system. Utilizing variant allele frequency, disease prevalence and penetrance estimates, and inheritance mode, an automated score was calculated to assess if this variant is too frequent to cause the disease. Based on the score and internal cut-off values, a variant classified as benign is not then subjected to further curation. The score for this variant resulted in a classification of benign for this disease.

Illumina Laboratory Services, Illumina
Classification: Benign for Hyperparathyroidism. Last evaluated: 2018-01-12. Review status: criteria provided, single submitter. Criteria: ICSL Variant Classification Criteria 13 December 2019. Collection method: clinical testing. Allele origin: germline.
Comment: the same text as in the submission from Illumina Laboratory Services, Illumina above.

Laboratory for Molecular Medicine, Mass General Brigham Personalized Medicine
Classification: Benign. Last evaluated: 2016-12-15. Review status: criteria provided, single submitter. Criteria: LMM Criteria. Collection method: clinical testing. Allele origin: germline. Observed: 3 variant alleles.
Comment: p.Asp423Asp in exon 10 of MEN1: This variant is not expected to have clinical si gnificance because it is not located within the splice consensus sequence. It ha s been identified in 42% (53295/126568) of European chromosomes by the Genome Ag gregation Database (gnomAD; dbSNP rs2071313).

GeneDx
Classification: Benign. Last evaluated: 2015-03-03. Review status: criteria provided, single submitter. Criteria: GeneDx Variant Classification Process June 2021. Collection method: clinical testing. Allele origin: germline. Affected: yes.

Ambry Genetics
Classification: Benign for Hereditary cancer-predisposing syndrome. Last evaluated: 2014-11-21. Review status: criteria provided, single submitter. Criteria: Ambry Variant Classification Scheme 2023. Collection method: clinical testing. Allele origin: germline.

Breakthrough Genomics
Classification: Benign. Review status: criteria provided, single submitter. Criteria: ACMG Guidelines, 2015. Collection method: not provided. Allele origin: germline. Inheritance: Autosomal dominant inheritance. Affected: yes.

PreventionGenetics, part of Exact Sciences
Classification: Benign. Review status: criteria provided, single submitter. Criteria: ACMG Guidelines, 2015. Collection method: clinical testing. Allele origin: germline.

Diagnostic Laboratory, Department of Genetics, University Medical Center Groningen
Classification: Benign. Review status: no assertion criteria provided. Collection method: clinical testing. Allele origin: germline. Affected: yes. Study: VKGL Data-share Consensus. Not counted in ClinVar's aggregate classification.

Genome Diagnostics Laboratory, University Medical Center Utrecht
Classification: Benign. Review status: no assertion criteria provided. Collection method: clinical testing. Allele origin: germline. Affected: yes. Study: VKGL Data-share Consensus. Not counted in ClinVar's aggregate classification.

Joint Genome Diagnostic Labs from Nijmegen and Maastricht, Radboudumc and MUMC+
Classification: Benign. Review status: no assertion criteria provided. Collection method: clinical testing. Allele origin: germline. Affected: yes. Study: VKGL Data-share Consensus. Not counted in ClinVar's aggregate classification.

Literature cited by the submitters: PubMed 23093699 (cited by Athena Diagnostics); PubMed 12324758 (cited by Athena Diagnostics); PubMed 15635078 (cited by Athena Diagnostics); PubMed 10229909 (cited by Athena Diagnostics); PubMed 17065424 (cited by Athena Diagnostics); PubMed 10993647 (cited by Athena Diagnostics); PubMed 15754732 (cited by Athena Diagnostics); PubMed 24997771 (cited by Athena Diagnostics); PubMed 10022445 (cited by Athena Diagnostics); PubMed 9215689 (cited by Athena Diagnostics); PubMed 16699310 (cited by Athena Diagnostics); PubMed 9439676 (cited by Athena Diagnostics); PubMed 9354421 (cited by Athena Diagnostics); PubMed 21849858 (cited by Athena Diagnostics); PubMed 18549467 (cited by Athena Diagnostics); PubMed 10759881 (cited by Athena Diagnostics); PubMed 10366412 (cited by Athena Diagnostics); PubMed 11966739 (cited by Athena Diagnostics); PubMed 17555499 (cited by Athena Diagnostics); PubMed 9888389 (cited by Athena Diagnostics).

NM_001370259.2(MEN1):c.1254C>T (p.Asp418=)

Gene: MEN1 (menin 1; minus strand). Cytogenetic location: 11q13.1.
Variant type: single nucleotide variant.
Coding change: c.1254C>T on transcript NM_001370259.2 (MANE Select); coding-DNA position 1254, C replaced by T.
Protein change: p.Asp418=; no amino-acid change (aspartic acid 418 retained).
Molecular consequence: synonymous variant.
Genome position (GRCh38, 1-based): chr11:64,805,130, G>A on the plus strand (C>T on the coding strand, the complement: MEN1 is on the minus strand). VCF-style: chr11-64805130-G-A. GRCh37 (hg19) VCF-style: chr11-64572602-G-A.
Other names: p.Asp418=; c.1269C>T, p.Asp423= (NM_000244.4, NM_130800.3, NM_130801.3 and 3 more transcripts); c.1380C>T, p.Asp460= (NM_001370251.2); c.1254C>T, p.Asp418= (NM_001370260.2, NM_001370261.2, NM_130799.3); c.1149C>T, p.Asp383= (NM_001370262.2, NM_001370263.2).
Identifiers: ClinVar variation 96249 (VCV000096249.54), dbSNP rs2071313, ClinGen allele CA009098.